The following is an entry in ClinVar:

NM_002691.4(POLD1):c.1361G>C (p.Arg454Pro)

Gene: POLD1 (DNA polymerase delta 1, catalytic subunit; plus strand). Cytogenetic location: 19q13.33.
Variant type: single nucleotide variant.
Coding change: c.1361G>C on transcript NM_002691.4 (MANE Select); coding-DNA position 1361, G replaced by C.
Protein change: p.Arg454Pro; replaces arginine 454 with proline.
Molecular consequence: missense variant. On other transcripts: non-coding transcript variant (1).
Genome position (GRCh38, 1-based): chr19:50,406,300, G>C. VCF-style: chr19-50406300-G-C. GRCh37 (hg19) VCF-style: chr19-50909557-G-C.
Other names: c.1361G>C, p.Arg454Pro (NM_001256849.1, NM_001308632.1); short protein forms R454P.
Identifiers: ClinVar variation 2783023 (VCV002783023.3), dbSNP rs1004124075, ClinGen allele CA406979949.
Genomic context (GRCh38, chr19:50,406,300, plus strand): 5'-CTTCATTCCAGTCCAAGCAGACGGGCCGGCGGGACACCAAGGTTGTCAGCATGGTGGGCC[G>C]CGTGCAGATGGACATGCTGCAGGTATGGGCGGGAGGTGGGGTGTGTCCCTGTCCTTGGAA-3'
Protein context (NP_002682.2, residues 444-464): RDTKVVSMVG[Arg454Pro]VQMDMLQVLL

ClinVar aggregate classification (germline): Uncertain significance (1 of 4 stars; one submission).

Conditions:
POLD1-related polyposis and colorectal cancer syndrome (CRCS10). Also called: Colorectal cancer 10; Colorectal cancer, susceptibility to, 10; COLORECTAL CANCER, SUSCEPTIBILITY TO, ON CHROMOSOME 19q. Identifiers: Orphanet 220460, MedGen C2675481, MONDO:0012953, OMIM 612591.

Allele frequency attached by ClinVar (database versions not stated): gnomAD 0.00001.
gnomAD v4.1: 1 of 1,613,840 alleles (0.000062%); highest among the groups gnomAD compares: African/African-American, 0.0013%; no homozygotes.

Submission:

Labcorp Genetics (formerly Invitae), Labcorp
Classification: Uncertain significance for POLD1-related polyposis and colorectal cancer syndrome. Last evaluated: 2023-10-06. Review status: criteria provided, single submitter. Criteria: Invitae Variant Classification Sherloc (09022015). Collection method: clinical testing. Allele origin: germline.
Comment: This sequence change replaces arginine, which is basic and polar, with proline, which is neutral and non-polar, at codon 454 of the POLD1 protein (p.Arg454Pro). This variant is present in population databases (no rsID available, gnomAD 0.01%). This variant has not been reported in the literature in individuals affected with POLD1-related conditions. Advanced modeling of protein sequence and biophysical properties (such as structural, functional, and spatial information, amino acid conservation, physicochemical variation, residue mobility, and thermodynamic stability) performed at Invitae indicates that this missense variant is expected to disrupt POLD1 protein function. In summary, the available evidence is currently insufficient to determine the role of this variant in disease. Therefore, it has been classified as a Variant of Uncertain Significance.